The following is an entry in ClinVar:

NM_000642.3(AGL):c.1898T>C (p.Val633Ala)

Gene: AGL (amylo-alpha-1,6-glucosidase and 4-alpha-glucanotransferase; plus strand). Cytogenetic location: 1p21.2.
Variant type: single nucleotide variant.
Coding change: c.1898T>C on transcript NM_000642.3 (MANE Select); coding-DNA position 1898, T replaced by C.
Protein change: p.Val633Ala; replaces valine 633 with alanine.
Molecular consequence: missense variant.
Genome position (GRCh38, 1-based): chr1:99,880,794, T>C. VCF-style: chr1-99880794-T-C. GRCh37 (hg19) VCF-style: chr1-100346350-T-C.
Other names: p.Val633Ala; c.1898T>C, p.Val633Ala (NM_000028.3, NM_000643.3, NM_000644.3 and 2 more transcripts); c.1850T>C, p.Val617Ala (NM_000646.3); c.1697T>C, p.Val566Ala (NM_001425327.1); c.1694T>C, p.Val565Ala (NM_001425328.1, NM_001425329.1); c.1520T>C, p.Val507Ala (NM_001425332.1); short protein forms V617A, V633A, V507A, V565A, V566A.
Identifiers: ClinVar variation 2055860 (VCV002055860.2), dbSNP rs1267549281, ClinGen allele CA341317204.

ClinVar aggregate classification (germline): Uncertain significance. Review status: criteria provided, multiple submitters, no conflicts (2 of 4 stars). 2 submissions from 2 submitters: Uncertain significance (2). Last evaluated 2023-11-02.

Conditions:
Glycogen storage disease type III (GSD3). Also called: Cori disease; FORBES DISEASE. Identifiers: Orphanet 366, MedGen C0017922, MONDO:0009291, OMIM 232400.

Allele frequency attached by ClinVar (database versions not stated): gnomAD 0.00002; TOPMed 0.00002; gnomAD exomes 0.00006.
gnomAD v4.1: 92 of 1,613,824 alleles (0.0057%); highest among the groups gnomAD compares: Non-Finnish European, 0.0076%; no homozygotes.

Submissions (2):

Mayo Clinic Laboratories, Mayo Clinic
Classification: Uncertain significance. Last evaluated: 2023-11-02. Review status: criteria provided, single submitter. Criteria: ACMG Guidelines, 2015. Collection method: clinical testing. Allele origin: germline. Observed: 1 variant allele.
Comment: PM2_moderate

Labcorp Genetics (formerly Invitae), Labcorp
Classification: Uncertain significance for Glycogen storage disease type III. Last evaluated: 2022-06-14. Review status: criteria provided, single submitter. Criteria: Invitae Variant Classification Sherloc (09022015). Collection method: clinical testing. Allele origin: germline.
Comment: This sequence change replaces valine, which is neutral and non-polar, with alanine, which is neutral and non-polar, at codon 633 of the AGL protein (p.Val633Ala). This variant is present in population databases (no rsID available, gnomAD 0.002%). This variant has not been reported in the literature in individuals affected with AGL-related conditions. Algorithms developed to predict the effect of missense changes on protein structure and function (SIFT, PolyPhen-2, Align-GVGD) all suggest that this variant is likely to be tolerated. In summary, the available evidence is currently insufficient to determine the role of this variant in disease. Therefore, it has been classified as a Variant of Uncertain Significance.